The following is an entry in ClinVar:

ClinVar aggregate classification (germline): Uncertain significance (1 of 4 stars; one submission).

Submission:

Labcorp Genetics (formerly Invitae), Labcorp
Classification: Uncertain significance. Last evaluated: 2021-10-03. Review status: criteria provided, single submitter. Criteria: Invitae Variant Classification Sherloc (09022015). Collection method: clinical testing. Allele origin: germline.
Comment: In summary, the available evidence is currently insufficient to determine the role of this variant in disease. Therefore, it has been classified as a Variant of Uncertain Significance. Experimental studies and prediction algorithms are not available or were not evaluated, and the functional significance of this variant is currently unknown. This variant has not been reported in the literature in individuals affected with EXOSC9-related conditions. This variant is present in population databases (rs745543259, ExAC 0.009%). This variant, c.1355_1357del, results in the deletion of 1 amino acid(s) of the EXOSC9 protein (p.Lys452del), but otherwise preserves the integrity of the reading frame.

NM_005033.3(EXOSC9):c.1301AGA[1] (p.Lys435del)

Genes: CCNA2 (cyclin A2; minus strand), EXOSC9 (exosome component 9; plus strand). Cytogenetic location: 4q27.
Variant type: Microsatellite.
Coding change: c.1301AGA[1] on transcript NM_005033.3 (MANE Select); one copy of the 3-base unit AGA starting at c.1301; the reference has two copies in a row; one copy, 3 bases deleted.
Protein change: p.Lys435del; deletes lysine 435.
Molecular consequence: inframe deletion. On other transcripts: 3 prime UTR variant (1).
Genome position (GRCh38, 1-based): chr4:121,816,840-121,816,842, AGA deleted; deleting any 3 consecutive bases within chr4:121,816,836-121,816,842 gives the same sequence; the position shown is the placement nearest the transcript's 3' end. VCF-style (leftmost placement, unchanged base first): chr4-121816835-AAAG-A. GRCh37 (hg19) VCF-style: chr4-122737990-AAAG-A.
Other names: c.1352AGA[1], p.Lys452del (NM_001034194.2); c.*797CTT[1] (NM_001237.5); short protein forms K452del, K435del.
Identifiers: ClinVar variation 1520919 (VCV001520919.4), dbSNP rs745543259, ClinGen allele CA3063716.